The following is an entry in ClinVar:

ClinVar aggregate classification (germline): Likely benign. Review status: criteria provided, multiple submitters, no conflicts (2 of 4 stars). 2 submissions from 2 submitters: Likely benign (2). Last evaluated 2026-02-03.

Conditions:
Kabuki syndrome. Also called: NIIKAWA-KUROKI SYNDROME; Kabuki make-up syndrome. Identifiers: Orphanet 2322, MedGen C0796004, MONDO:0016512.
KMT2D-related disorder. Also called: KMT2D-Related Disorders.

Allele frequency attached by ClinVar (database versions not stated): gnomAD 0.00001; TOPMed 0.00001.
gnomAD v4.1: 3 of 1,590,696 alleles (0.00019%); highest among the groups gnomAD compares: Admixed American, 0.0035%; no homozygotes.

Submissions (2):

Labcorp Genetics (formerly Invitae), Labcorp
Classification: Likely benign for Kabuki syndrome. Last evaluated: 2026-02-03. Review status: criteria provided, single submitter. Criteria: Invitae Variant Classification Sherloc (09022015). Collection method: clinical testing. Allele origin: germline.

PreventionGenetics, part of Exact Sciences
Classification: Likely benign for KMT2D-related condition. Last evaluated: 2025-08-12. Review status: criteria provided, single submitter. Criteria: ACMG Guidelines, 2015. Collection method: clinical testing. Allele origin: germline.
Comment: This variant is classified as likely benign based on ACMG/AMP sequence variant interpretation guidelines (Richards et al. 2015 PMID: 25741868, with internal and published modifications).

NM_003482.4(KMT2D):c.7464G>C (p.Ser2488=)

Gene: KMT2D (lysine methyltransferase 2D; minus strand). Cytogenetic location: 12q13.12.
Variant type: single nucleotide variant.
Coding change: c.7464G>C on transcript NM_003482.4 (MANE Select); coding-DNA position 7464, G replaced by C.
Protein change: p.Ser2488=; no amino-acid change (serine 2488 retained).
Molecular consequence: synonymous variant.
Genome position (GRCh38, 1-based): chr12:49,040,306, C>G on the plus strand (G>C on the coding strand, the complement: KMT2D is on the minus strand). VCF-style: chr12-49040306-C-G. GRCh37 (hg19) VCF-style: chr12-49434089-C-G.
Identifiers: ClinVar variation 2866376 (VCV002866376.4), dbSNP rs907068999, ClinGen allele CA479711824.